The following is an entry in ClinVar:

ClinVar aggregate classification (germline): Likely benign. Review status: criteria provided, multiple submitters, no conflicts (2 of 4 stars). 2 submissions from 2 submitters: Likely benign (2). Last evaluated 2016-12-13.

Conditions:
Hereditary cancer-predisposing syndrome. Also called: Neoplastic Syndromes, Hereditary; Hereditary Cancer Syndrome; Tumor predisposition; Hereditary neoplastic syndrome. Identifiers: Orphanet 140162, MedGen C0027672, MeSH D009386, MONDO:0015356.

Allele frequency attached by ClinVar (database versions not stated): gnomAD exomes below 0.00001; TOPMed below 0.00001.

Submissions (2):

GeneDx
Classification: Likely benign. Last evaluated: 2016-12-13. Review status: criteria provided, single submitter. Criteria: GeneDx Variant Classification (06012015). Collection method: clinical testing. Allele origin: germline. Affected: yes.
Comment: This variant is considered likely benign or benign based on one or more of the following criteria: it is a conservative change, it occurs at a poorly conserved position in the protein, it is predicted to be benign by multiple in silico algorithms, and/or has population frequency not consistent with disease.

Color Diagnostics, LLC DBA Color Health
Classification: Likely benign for Hereditary cancer-predisposing syndrome. Last evaluated: 2016-09-01. Review status: criteria provided, single submitter. Criteria: ACMG Guidelines, 2015. Collection method: clinical testing. Allele origin: germline.

NM_032043.3(BRIP1):c.*13C>T

Gene: BRIP1 (BRCA1 interacting DNA helicase 1; minus strand). Cytogenetic location: 17q23.2.
Variant type: single nucleotide variant.
Coding change: c.*13C>T on transcript NM_032043.3 (MANE Select); 13 bases downstream of the stop codon, C replaced by T.
Molecular consequence: 3 prime UTR variant.
Genome position (GRCh38, 1-based): chr17:61,683,283, G>A on the plus strand (C>T on the coding strand, the complement: BRIP1 is on the minus strand). VCF-style: chr17-61683283-G-A. GRCh37 (hg19) VCF-style: chr17-59760644-G-A.
Identifiers: ClinVar variation 391937 (VCV000391937.3), dbSNP rs1057524296, ClinGen allele CA16607779.